The following is an entry in ClinVar:

NM_006521.6(TFE3):c.1262G>A (p.Arg421His)

Gene: TFE3 (transcription factor binding to IGHM enhancer 3; minus strand). Cytogenetic location: Xp11.23.
Variant type: single nucleotide variant.
Coding change: c.1262G>A on transcript NM_006521.6 (MANE Select); coding-DNA position 1262, G replaced by A.
Protein change: p.Arg421His; replaces arginine 421 with histidine.
Molecular consequence: missense variant.
Genome position (GRCh38, 1-based): chrX:49,031,419, C>T on the plus strand (G>A on the coding strand, the complement: TFE3 is on the minus strand). VCF-style: chrX-49031419-C-T. GRCh37 (hg19) VCF-style: chrX-48888934-C-T.
Other names: c.947G>A, p.Arg316His (NM_001282142.2); short protein forms R316H, R421H.
Identifiers: ClinVar variation 2228640 (VCV002228640.2), dbSNP rs782811600, ClinGen allele CA10407689.

ClinVar aggregate classification (germline): Uncertain significance (1 of 4 stars; one submission).

Conditions:
Inborn genetic diseases. Identifiers: MedGen C0950123, MeSH D030342.

Allele frequency attached by ClinVar (database versions not stated): TOPMed below 0.00001; ExAC 0.00002.
gnomAD v4.1: 6 of 1,201,875 alleles (0.0005%); highest among the groups gnomAD compares: Non-Finnish European, 0.00056%; no homozygotes.

Submission:

Ambry Genetics
Classification: Uncertain significance for Inborn genetic diseases. Last evaluated: 2021-02-19. Review status: criteria provided, single submitter. Criteria: Ambry Variant Classification Scheme 2023. Collection method: clinical testing. Allele origin: germline.
Comment: The c.1262G>A (p.R421H) alteration is located in exon 9 (coding exon 9) of the TFE3 gene. This alteration results from a G to A substitution at nucleotide position 1262, causing the arginine (R) at amino acid position 421 to be replaced by a histidine (H). The p.R421H alteration is predicted to be tolerated by in silico analysis. Based on insufficient or conflicting evidence, the clinical significance of this alteration remains unclear.